The following is an entry in ClinVar:

ClinVar aggregate classification (germline): Uncertain significance. Review status: criteria provided, multiple submitters, no conflicts (2 of 4 stars). 2 submissions from 2 submitters: Uncertain significance (2). Last evaluated 2023-11-01.

Conditions:
Bardet-Biedl syndrome (BBS). Identifiers: Orphanet 110, MedGen C0752166, MONDO:0015229.

Allele frequency attached by ClinVar (database versions not stated): gnomAD exomes below 0.00001 and 0.00002; ExAC 0.00001; TOPMed 0.00001.
gnomAD v4.1: 25 of 1,614,146 alleles (0.0015%); highest among the groups gnomAD compares: Non-Finnish European, 0.0019%; no homozygotes.

Submissions (2):

CeGaT Center for Human Genetics Tuebingen
Classification: Uncertain significance. Last evaluated: 2023-11-01. Review status: criteria provided, single submitter. Criteria: CeGaT Center For Human Genetics Tuebingen Variant Classification Criteria Version 2. Collection method: clinical testing. Allele origin: germline. Affected: yes. Observed: 1 variant allele.
Comment: BBS4: PM2, BP1, BP4

Labcorp Genetics (formerly Invitae), Labcorp
Classification: Uncertain significance for Bardet-Biedl syndrome. Last evaluated: 2021-08-14. Review status: criteria provided, single submitter. Criteria: Invitae Variant Classification Sherloc (09022015). Collection method: clinical testing. Allele origin: germline.
Comment: This sequence change replaces aspartic acid with glycine at codon 183 of the BBS4 protein (p.Asp183Gly). The aspartic acid residue is moderately conserved and there is a moderate physicochemical difference between aspartic acid and glycine. This variant is present in population databases (rs751216768, ExAC 0.001%). This variant has not been reported in the literature in individuals affected with BBS4-related conditions. Algorithms developed to predict the effect of missense changes on protein structure and function are either unavailable or do not agree on the potential impact of this missense change (SIFT: "Deleterious"; PolyPhen-2: "Benign"; Align-GVGD: "Class C0"). In summary, the available evidence is currently insufficient to determine the role of this variant in disease. Therefore, it has been classified as a Variant of Uncertain Significance.

NM_033028.5(BBS4):c.548A>G (p.Asp183Gly)

Gene: BBS4 (Bardet-Biedl syndrome 4; plus strand). Cytogenetic location: 15q24.1.
Variant type: single nucleotide variant.
Coding change: c.548A>G on transcript NM_033028.5 (MANE Select); coding-DNA position 548, A replaced by G.
Protein change: p.Asp183Gly; replaces aspartic acid 183 with glycine.
Molecular consequence: missense variant. On other transcripts: non-coding transcript variant (2).
Genome position (GRCh38, 1-based): chr15:72,724,616, A>G. VCF-style: chr15-72724616-A-G. GRCh37 (hg19) VCF-style: chr15-73016957-A-G.
Other names: c.32A>G, p.Asp11Gly (NM_001252678.2); c.548A>G, p.Asp183Gly (NM_001320665.2); short protein forms D11G, D183G.
Identifiers: ClinVar variation 1473964 (VCV001473964.27), dbSNP rs751216768, ClinGen allele CA7646671.